The following is an entry in ClinVar:

NM_000719.7(CACNA1C):c.971G>A (p.Arg324Gln)

Gene: CACNA1C (calcium voltage-gated channel subunit alpha1 C; plus strand). Cytogenetic location: 12p13.33.
Variant type: single nucleotide variant.
Coding change: c.971G>A on transcript NM_000719.7 (MANE Select); coding-DNA position 971, G replaced by A.
Protein change: p.Arg324Gln; replaces arginine 324 with glutamine.
Molecular consequence: missense variant.
Genome position (GRCh38, 1-based): chr12:2,493,244, G>A. VCF-style: chr12-2493244-G-A. GRCh37 (hg19) VCF-style: chr12-2602410-G-A.
Other names: c.971G>A, p.Arg324Gln (NM_001129827.2, NM_001129829.2, NM_001129830.3 and 18 more transcripts); c.962G>A, p.Arg321Gln (NM_001129844.2); c.971G>A (NM_000719.6); short protein forms R321Q, R324Q.
Identifiers: ClinVar variation 1442906 (VCV001442906.13), dbSNP rs2099740070, ClinGen allele CA383369729.

ClinVar aggregate classification (germline): Conflicting classifications of pathogenicity. Review status: criteria provided, conflicting classifications (1 of 4 stars). 4 submissions from 4 submitters: Likely pathogenic (2); Uncertain significance (2). Last evaluated 2026-01-23.

Conditions:
Cardiovascular phenotype. Identifiers: MedGen CN230736.
Long QT syndrome (LQTS). Identifiers: MedGen C0023976, MeSH D008133, MONDO:0002442. Disease mechanism: loss of function. Inheritance: Various modes of inheritance.

Submissions (4):

Ambry Genetics
Classification: Likely pathogenic for Cardiovascular phenotype. Last evaluated: 2026-01-23. Review status: criteria provided, single submitter. Criteria: Ambry Variant Classification Scheme 2023. Collection method: clinical testing. Allele origin: germline.
Comment: The c.971G>A (p.R324Q) alteration is located in exon 7 (coding exon 7) of the CACNA1C gene. This alteration results from a G to A substitution at nucleotide position 971, causing the arginine (R) at amino acid position 324 to be replaced by a glutamine (Q). for CACNA1C-related neurodevelopmental disorder; however, its clinical significance for Timothy syndrome and CACNA1C-related long QT syndrome is uncertain. This variant was not reported in population-based cohorts in the Genome Aggregation Database (gnomAD). This variant was reported in individual(s) with features consistent with CACNA1C-related neurodevelopmental disorder; in at least one individual, it was determined to be de novo (Ambry internal data). This amino acid position is highly conserved in available vertebrate species. This missense alteration is located in a region that has a low rate of benign missense variation (Lek, 2016; Firth, 2009). This alteration is predicted to be deleterious by in silico analysis. Based on the available evidence, this alteration is classified as likely pathogenic.

GeneDx
Classification: Likely pathogenic. Last evaluated: 2025-07-03. Review status: criteria provided, single submitter. Criteria: GeneDx Variant Classification Process June 2021. Collection method: clinical testing. Allele origin: germline. Affected: yes.
Comment: Not observed at significant frequency in large population cohorts (gnomAD); In silico analysis supports that this missense variant has a deleterious effect on protein structure/function; Has not been previously published as pathogenic or benign to our knowledge; This variant is associated with the following publications: (PMID: 34163037)

Blueprint Genetics
Classification: Uncertain significance. Last evaluated: 2023-10-16. Review status: criteria provided, single submitter. Criteria: ACMG Guidelines, 2015. Collection method: clinical testing. Allele origin: germline.

Labcorp Genetics (formerly Invitae), Labcorp
Classification: Uncertain significance for Long QT syndrome. Last evaluated: 2022-03-08. Review status: criteria provided, single submitter. Criteria: Invitae Variant Classification Sherloc (09022015). Collection method: clinical testing. Allele origin: germline.
Comment: In summary, the available evidence is currently insufficient to determine the role of this variant in disease. Therefore, it has been classified as a Variant of Uncertain Significance. Algorithms developed to predict the effect of missense changes on protein structure and function are either unavailable or do not agree on the potential impact of this missense change (SIFT: "Tolerated"; PolyPhen-2: "Possibly Damaging"; Align-GVGD: "Class C0"). This variant has not been reported in the literature in individuals affected with CACNA1C-related conditions. This variant is not present in population databases (gnomAD no frequency). This sequence change replaces arginine, which is basic and polar, with glutamine, which is neutral and polar, at codon 324 of the CACNA1C protein (p.Arg324Gln).

Literature cited by the submitters: PubMed 34163037 (cited by Ambry Genetics).